The following is an entry in ClinVar:

ClinVar aggregate classification (germline): Uncertain significance. Review status: criteria provided, multiple submitters, no conflicts (2 of 4 stars). 2 submissions from 2 submitters: Uncertain significance (2). Last evaluated 2026-04-24.

Conditions:
SEMA3A-related disorder. Also called: SEMA3A-related condition.
Inborn genetic diseases. Identifiers: MedGen C0950123, MeSH D030342.

Allele frequency attached by ClinVar (database versions not stated): ExAC 0.00002; gnomAD 0.00008; TOPMed 0.00013.
gnomAD v4.1: 28 of 1,613,682 alleles (0.0017%); highest among the groups gnomAD compares: African/African-American, 0.033%; no homozygotes.

Submissions (2):

PreventionGenetics, part of Exact Sciences
Classification: Uncertain significance for SEMA3A-related condition. Last evaluated: 2026-04-24. Review status: criteria provided, single submitter. Criteria: ACMG Guidelines, 2015. Collection method: clinical testing. Allele origin: germline.
Comment: The SEMA3A c.838G>A variant is predicted to result in the amino acid substitution p.Val280Met. To our knowledge, this variant has not been reported in the literature. This variant is reported in 0.032% of alleles in individuals of African descent in gnomAD, which may be too frequent to be a primary cause of disease. Although we suspect that this variant may be benign, at this time, the clinical significance of this variant is uncertain due to the absence of conclusive functional and genetic evidence.

Ambry Genetics
Classification: Uncertain significance for Inborn genetic diseases. Last evaluated: 2024-11-25. Review status: criteria provided, single submitter. Criteria: Ambry Variant Classification Scheme 2023. Collection method: clinical testing. Allele origin: germline.

NM_006080.3(SEMA3A):c.838G>A (p.Val280Met)

Gene: SEMA3A (semaphorin 3A; minus strand). Cytogenetic location: 7q21.11.
Variant type: single nucleotide variant.
Coding change: c.838G>A on transcript NM_006080.3 (MANE Select); coding-DNA position 838, G replaced by A.
Protein change: p.Val280Met; replaces valine 280 with methionine.
Molecular consequence: missense variant.
Genome position (GRCh38, 1-based): chr7:84,011,270, C>T on the plus strand (G>A on the coding strand, the complement: SEMA3A is on the minus strand). VCF-style: chr7-84011270-C-T. GRCh37 (hg19) VCF-style: chr7-83640586-C-T.
Other names: short protein forms V280M.
Identifiers: ClinVar variation 2634968 (VCV002634968.4), dbSNP rs762465901, ClinGen allele CA4322904.